The following is an entry in ClinVar:

NM_004456.5(EZH2):c.1950T>C (p.Ile650=)

Gene: EZH2 (enhancer of zeste 2 polycomb repressive complex 2 subunit; minus strand). Cytogenetic location: 7q36.1.
Variant type: single nucleotide variant.
Coding change: c.1950T>C on transcript NM_004456.5 (MANE Select); coding-DNA position 1950, T replaced by C.
Protein change: p.Ile650=; no amino-acid change (isoleucine 650 retained).
Molecular consequence: synonymous variant.
Genome position (GRCh38, 1-based): chr7:148,810,412, A>G on the plus strand (T>C on the coding strand, the complement: EZH2 is on the minus strand). VCF-style: chr7-148810412-A-G. GRCh37 (hg19) VCF-style: chr7-148507504-A-G.
Other names: c.1935T>C, p.Ile645= (NM_001203247.2); c.1908T>C, p.Ile636= (NM_001203248.2); c.1782T>C, p.Ile594= (NM_001203249.2); c.1818T>C, p.Ile606= (NM_152998.3).
Identifiers: ClinVar variation 3349601 (VCV003349601.1).

ClinVar aggregate classification (germline): Likely benign (0 of 4 stars; one submission).

Conditions:
EZH2-related disorder.

gnomAD v4.1: 8 of 1,606,832 alleles (0.0005%); highest among the groups gnomAD compares: African/African-American, 0.0094%; no homozygotes.

Submission:

PreventionGenetics, part of Exact Sciences
Classification: Likely benign for EZH2-related condition. Last evaluated: 2024-06-13. Review status: no assertion criteria provided. Collection method: clinical testing. Allele origin: germline.
Comment: This variant is classified as likely benign based on ACMG/AMP sequence variant interpretation guidelines (Richards et al. 2015 PMID: 25741868, with internal and published modifications).